The following is an entry in ClinVar:

ClinVar aggregate classification (germline): Likely pathogenic (1 of 4 stars; one submission).

Conditions:
Immunodeficiency 39 (IMD39). Identifiers: Orphanet 574918, MedGen C4225358, MONDO:0014597, OMIM 616345.

Submission:

First Genomix Gene Laboratory, Genetic Diagnostics Department
Classification: Likely pathogenic for Immunodeficiency 39. Last evaluated: 2025-09-15. Review status: criteria provided, single submitter. Criteria: ACMG Guidelines, 2015. Collection method: clinical testing. Allele origin: germline. Inheritance: Autosomal recessive inheritance. Affected: no. Observed: 1 variant allele.

NM_001572.5(IRF7):c.174dup (p.Ile59fs)

Gene: IRF7 (interferon regulatory factor 7; minus strand). Cytogenetic location: 11p15.5.
Variant type: Duplication.
Coding change: c.174dup on transcript NM_001572.5 (MANE Select); coding-DNA position 174, one base duplicated (C; older notation c.174dupC).
Protein change: p.Ile59fs; shifts the reading frame from isoleucine 59.
Molecular consequence: frameshift variant.
Genome position (GRCh38, 1-based): chr11:615,106, G duplicated on the plus strand (C on the coding strand, the reverse complement: IRF7 is on the minus strand). VCF-style (leftmost placement, unchanged base first): chr11-615105-T-TG. GRCh37 (hg19) VCF-style: chr11-615105-T-TG.
Other names: c.213dup, p.Ile72fs (NM_001440440.1, NM_001440444.1, NM_004031.4); c.174dup, p.Ile59fs (NM_001440442.1, NM_001440445.1, NM_001440446.1 and 1 more transcripts); short protein forms I59fs, I72fs.
Identifiers: ClinVar variation 4850312 (VCV004850312.1).